The following is an entry in ClinVar:

ClinVar aggregate classification (germline): Uncertain significance (1 of 4 stars; one submission).

Conditions:
Inborn genetic diseases. Identifiers: MedGen C0950123, MeSH D030342.

Submission:

Ambry Genetics
Classification: Uncertain significance for Inborn genetic diseases. Last evaluated: 2025-03-01. Review status: criteria provided, single submitter. Criteria: Ambry Variant Classification Scheme 2023. Collection method: clinical testing. Allele origin: germline.
Comment: The p.M876V variant (also known as c.2626A>G), located in coding exon 21 of the KDM1A gene, results from an A to G substitution at nucleotide position 2626. The methionine at codon 876 is replaced by valine, an amino acid with highly similar properties. This amino acid position is conserved. In addition, this alteration is predicted to be tolerated by in silico analysis. Based on the available evidence, the clinical significance of this variant remains unclear.

NM_001009999.3(KDM1A):c.2626A>G (p.Met876Val)

Gene: KDM1A (lysine demethylase 1A; plus strand). Cytogenetic location: 1p36.12.
Variant type: single nucleotide variant.
Coding change: c.2626A>G on transcript NM_001009999.3 (MANE Select); coding-DNA position 2626, A replaced by G.
Protein change: p.Met876Val; replaces methionine 876 with valine.
Molecular consequence: missense variant. On other transcripts: 3 prime UTR variant (1).
Genome position (GRCh38, 1-based): chr1:23,083,359, A>G. VCF-style: chr1-23083359-A-G. GRCh37 (hg19) VCF-style: chr1-23409852-A-G.
Other names: c.2572A>G, p.Met858Val (NM_001363654.2); c.2632A>G, p.Met878Val (NM_001410762.1); c.*874A>G (NM_001410763.1); c.2554A>G, p.Met852Val (NM_015013.4); short protein forms M858V, M876V, M852V, M878V.
Identifiers: ClinVar variation 3863352 (VCV003863352.1).